The following is an entry in ClinVar:

NM_000553.6(WRN):c.2551G>T (p.Glu851Ter)

Gene: WRN (WRN RecQ like helicase; plus strand). Cytogenetic location: 8p12.
Variant type: single nucleotide variant.
Coding change: c.2551G>T on transcript NM_000553.6 (MANE Select); coding-DNA position 2551, G replaced by T.
Protein change: p.Glu851Ter; replaces glutamic acid 851 with a stop codon.
Molecular consequence: nonsense.
Genome position (GRCh38, 1-based): chr8:31,120,345, G>T. VCF-style: chr8-31120345-G-T. GRCh37 (hg19) VCF-style: chr8-30977861-G-T.
Other names: short protein forms E851*.
Identifiers: ClinVar variation 1075005 (VCV001075005.5), dbSNP rs1428459485, ClinGen allele CA370915535.

ClinVar aggregate classification (germline): Pathogenic (1 of 4 stars; one submission).

Conditions:
Werner syndrome (WRN). Identifiers: Orphanet 902, MedGen C0043119, MONDO:0010196, OMIM 277700.

Allele frequency attached by ClinVar (database versions not stated): TOPMed below 0.00001; gnomAD 0.00001.
gnomAD v4.1: 1 of 1,612,816 alleles (0.000062%); highest among the groups gnomAD compares: Non-Finnish European, 0.000085%; no homozygotes.

Submission:

Labcorp Genetics (formerly Invitae), Labcorp
Classification: Pathogenic for Werner syndrome. Last evaluated: 2023-11-24. Review status: criteria provided, single submitter. Criteria: Invitae Variant Classification Sherloc (09022015). Collection method: clinical testing. Allele origin: germline.
Comment: This sequence change creates a premature translational stop signal (p.Glu851*) in the WRN gene. It is expected to result in an absent or disrupted protein product. Loss-of-function variants in WRN are known to be pathogenic (PMID: 16673358). This variant is not present in population databases (gnomAD no frequency). This variant has not been reported in the literature in individuals affected with WRN-related conditions. ClinVar contains an entry for this variant (Variation ID: 1075005). Algorithms developed to predict the effect of sequence changes on RNA splicing suggest that this variant may disrupt the consensus splice site. For these reasons, this variant has been classified as Pathogenic.

Literature cited by the submitters: PubMed 16673358.